The following is an entry in ClinVar:

ClinVar aggregate classification (germline): Uncertain significance (1 of 4 stars; one submission).

Allele frequency attached by ClinVar (database versions not stated): gnomAD 0.00005 and 0.00006; ESP Exome Variant Server 0.00008.

Submission:

Labcorp Genetics (formerly Invitae), Labcorp
Classification: Uncertain significance. Last evaluated: 2022-08-21. Review status: criteria provided, single submitter. Criteria: Invitae Variant Classification Sherloc (09022015). Collection method: clinical testing. Allele origin: germline.
Comment: This sequence change replaces glycine, which is neutral and non-polar, with serine, which is neutral and polar, at codon 267 of the GNPTG protein (p.Gly267Ser). This variant is present in population databases (rs370064320, gnomAD 0.01%). This variant has not been reported in the literature in individuals affected with GNPTG-related conditions. ClinVar contains an entry for this variant (Variation ID: 1426530). Algorithms developed to predict the effect of missense changes on protein structure and function are either unavailable or do not agree on the potential impact of this missense change (SIFT: "Deleterious"; PolyPhen-2: "Benign"; Align-GVGD: "Class C0"). In summary, the available evidence is currently insufficient to determine the role of this variant in disease. Therefore, it has been classified as a Variant of Uncertain Significance.

NM_032520.5(GNPTG):c.799G>A (p.Gly267Ser)

Gene: GNPTG (N-acetylglucosamine-1-phosphate transferase subunit gamma; plus strand). Cytogenetic location: 16p13.3.
Variant type: single nucleotide variant.
Coding change: c.799G>A on transcript NM_032520.5 (MANE Select); coding-DNA position 799, G replaced by A.
Protein change: p.Gly267Ser; replaces glycine 267 with serine.
Molecular consequence: missense variant.
Genome position (GRCh38, 1-based): chr16:1,362,882, G>A. VCF-style: chr16-1362882-G-A. GRCh37 (hg19) VCF-style: chr16-1412883-G-A.
Other names: short protein forms G267S.
Identifiers: ClinVar variation 1426530 (VCV001426530.3), dbSNP rs370064320, ClinGen allele CA7807956.